The following is an entry in ClinVar:

ClinVar aggregate classification (germline): Pathogenic (1 of 4 stars; one submission).

Submission:

Labcorp Genetics (formerly Invitae), Labcorp
Classification: Pathogenic. Last evaluated: 2021-12-27. Review status: criteria provided, single submitter. Criteria: Invitae Variant Classification Sherloc (09022015). Collection method: clinical testing. Allele origin: germline.
Comment: For these reasons, this variant has been classified as Pathogenic. This variant has not been reported in the literature in individuals affected with ESCO2-related conditions. This variant is not present in population databases (gnomAD no frequency). This sequence change creates a premature translational stop signal (p.Ser162Leufs*9) in the ESCO2 gene. It is expected to result in an absent or disrupted protein product. Loss-of-function variants in ESCO2 are known to be pathogenic (PMID: 15821733, 16380922).

Literature cited by the submitters: PubMed 15821733; PubMed 16380922.

NM_001017420.3(ESCO2):c.485del (p.Ser162fs)

Gene: ESCO2 (establishment of sister chromatid cohesion N-acetyltransferase 2; plus strand). Cytogenetic location: 8p21.1.
Variant type: Deletion.
Coding change: c.485del on transcript NM_001017420.3 (MANE Select); coding-DNA position 485, one base deleted (C; older notation c.485delC).
Protein change: p.Ser162fs; shifts the reading frame from serine 162.
Molecular consequence: frameshift variant.
Genome position (GRCh38, 1-based): chr8:27,776,793, C deleted. VCF-style (leftmost placement, unchanged base first): chr8-27776792-TC-T. GRCh37 (hg19) VCF-style: chr8-27634309-TC-T.
Other names: short protein forms S162fs.
Identifiers: ClinVar variation 1457982 (VCV001457982.6), dbSNP rs2128951189, ClinGen allele CA2573142789.